The following is an entry in ClinVar:

NM_000321.3(RB1):c.868_869dup (p.Asn290fs)

Gene: RB1 (RB transcriptional corepressor 1; plus strand). Cytogenetic location: 13q14.2.
Variant type: Duplication.
Coding change: c.868_869dup on transcript NM_000321.3 (MANE Select); coding-DNA positions 868 to 869, 2 bases duplicated (AA; older notation c.868_869dupAA).
Protein change: p.Asn290fs; shifts the reading frame from asparagine 290.
Molecular consequence: frameshift variant.
Genome position (GRCh38, 1-based): chr13:48,364,900-48,364,901, AA duplicated; duplicating any 2 consecutive bases within chr13:48,364,897-48,364,901 gives the same sequence; the c. name uses the placement nearest the transcript's 3' end. VCF-style (leftmost placement, unchanged base first): chr13-48364896-G-GAA. GRCh37 (hg19) VCF-style: chr13-48939032-G-GAA.
Other names: c.868_869dup, p.Asn290Lysfs (NM_001407165.1, NM_001407166.1); short protein forms N290fs.
Identifiers: ClinVar variation 2444868 (VCV002444868.4), dbSNP rs1131690901, ClinGen allele CA2580087552.
Genomic context (GRCh38, chr13:48,364,896, plus strand): 5'-AAGAGATTAGATTTTGTTTTAAATTTTAATGATCATGTTGTAACTTCATCTTTTTCAGGT[G>GAA]AAAAATGTTTATTTCAAAAATTTTATACCTTTTATGAATTCTCTTGGACTTGTAACATCT-3'

ClinVar aggregate classification (germline): Pathogenic. Review status: criteria provided, multiple submitters, no conflicts (2 of 4 stars). 2 submissions from 2 submitters: Pathogenic (2). Last evaluated 2024-08-21.

Conditions:
Retinoblastoma (RB1). Also called: RETINOBLASTOMA, SOMATIC. Identifiers: Orphanet 790, MedGen C0035335, MeSH D012175, MONDO:0008380, OMIM 180200, HP:0009919. Disease mechanism: loss of function. Inheritance: Both sporadic and heritable forms are tested..

Submissions (2):

Labcorp Genetics (formerly Invitae), Labcorp
Classification: Pathogenic for Retinoblastoma. Last evaluated: 2024-08-21. Review status: criteria provided, single submitter. Criteria: Invitae Variant Classification Sherloc (09022015). Collection method: clinical testing. Allele origin: germline.
Comment: This sequence change creates a premature translational stop signal (p.Asn290Lysfs*12) in the RB1 gene. It is expected to result in an absent or disrupted protein product. Loss-of-function variants in RB1 are known to be pathogenic (PMID: 17096365). This variant is not present in population databases (gnomAD no frequency). This variant has not been reported in the literature in individuals affected with RB1-related conditions. ClinVar contains an entry for this variant (Variation ID: 2444868). For these reasons, this variant has been classified as Pathogenic.

St. Jude Molecular Pathology, St. Jude Children's Research Hospital
Classification: Pathogenic for Retinoblastoma. Last evaluated: 2023-01-24. Review status: criteria provided, single submitter. Criteria: St. Jude Assertion Criteria 2020. Collection method: clinical testing. Allele origin: germline. Affected: yes.
Comment: The RB1 c.868_869dup (p.Asn290LysfsTer12) change inserts two nucleotides to cause a frameshift and the creation of a premature stop codon. This change is predicted to cause protein truncation or absence of protein due to nonsense-mediated decay. Another frameshift variant affecting the same amino acid has been reported in the tumor and/or blood of an individual with retinoblastoma (PMID: 24225018). This variant is absent in gnomAD v2.1.1. In summary, this variant meets criteria to be classified as pathogenic.

Literature cited by the submitters: PubMed 17096365 (cited by Labcorp Genetics (formerly Invitae), Labcorp).